The following is an entry in ClinVar:

NM_001563.4(IMPG1):c.829C>T (p.Leu277Phe)

Gene: IMPG1 (interphotoreceptor matrix proteoglycan 1; minus strand). Cytogenetic location: 6q14.1.
Variant type: single nucleotide variant.
Coding change: c.829C>T on transcript NM_001563.4 (MANE Select); coding-DNA position 829, C replaced by T.
Protein change: p.Leu277Phe; replaces leucine 277 with phenylalanine.
Molecular consequence: missense variant.
Genome position (GRCh38, 1-based): chr6:76,011,203, G>A on the plus strand (C>T on the coding strand, the complement: IMPG1 is on the minus strand). VCF-style: chr6-76011203-G-A. GRCh37 (hg19) VCF-style: chr6-76720920-G-A.
Other names: c.595C>T, p.Leu199Phe (NM_001282368.2); short protein forms L199F, L277F.
Identifiers: ClinVar variation 3608849 (VCV003608849.2).

ClinVar aggregate classification (germline): Uncertain significance (1 of 4 stars; one submission).

Submission:

Labcorp Genetics (formerly Invitae), Labcorp
Classification: Uncertain significance. Last evaluated: 2024-12-12. Review status: criteria provided, single submitter. Criteria: Invitae Variant Classification Sherloc (09022015). Collection method: clinical testing. Allele origin: germline.
Comment: This sequence change replaces leucine, which is neutral and non-polar, with phenylalanine, which is neutral and non-polar, at codon 277 of the IMPG1 protein (p.Leu277Phe). This variant is not present in population databases (gnomAD no frequency). This variant has not been reported in the literature in individuals affected with IMPG1-related conditions. An algorithm developed to predict the effect of missense changes on protein structure and function outputs the following: PolyPhen-2: "Possibly Damaging". The phenylalanine amino acid residue is found in multiple mammalian species, which suggests that this missense change does not adversely affect protein function. In summary, the available evidence is currently insufficient to determine the role of this variant in disease. Therefore, it has been classified as a Variant of Uncertain Significance.